The following is an entry in ClinVar:

NM_000426.4(LAMA2):c.410C>T (p.Ala137Val)

Gene: LAMA2 (laminin subunit alpha 2; plus strand). Cytogenetic location: 6q22.33.
Variant type: single nucleotide variant.
Coding change: c.410C>T on transcript NM_000426.4 (MANE Select); coding-DNA position 410, C replaced by T.
Protein change: p.Ala137Val; replaces alanine 137 with valine.
Molecular consequence: missense variant.
Genome position (GRCh38, 1-based): chr6:129,098,186, C>T. VCF-style: chr6-129098186-C-T. GRCh37 (hg19) VCF-style: chr6-129419331-C-T.
Other names: c.410C>T, p.Ala137Val (NM_001079823.2); short protein forms A137V.
Identifiers: ClinVar variation 583039 (VCV000583039.8), dbSNP rs138964034, ClinGen allele CA3992333.

ClinVar aggregate classification (germline): Uncertain significance. Review status: criteria provided, multiple submitters, no conflicts (2 of 4 stars). 3 submissions from 3 submitters: Uncertain significance (3). Last evaluated 2024-12-09.

Conditions:
LAMA2-related muscular dystrophy (LAMA2-RD). Also called: Laminin alpha 2-related dystrophy. Identifiers: MedGen C5679788, MONDO:0100228.

Allele frequency attached by ClinVar (database versions not stated): gnomAD 0.00001; gnomAD exomes 0.00001; TOPMed 0.00001; ExAC 0.00002; ESP Exome Variant Server 0.00008.
gnomAD v4.1: 16 of 1,613,776 alleles (0.00099%); highest among the groups gnomAD compares: African/African-American, 0.004%; no homozygotes.

Submissions (3):

Labcorp Genetics (formerly Invitae), Labcorp
Classification: Uncertain significance for LAMA2-related muscular dystrophy. Last evaluated: 2024-12-09. Review status: criteria provided, single submitter. Criteria: Invitae Variant Classification Sherloc (09022015). Collection method: clinical testing. Allele origin: germline.
Comment: This sequence change replaces alanine, which is neutral and non-polar, with valine, which is neutral and non-polar, at codon 137 of the LAMA2 protein (p.Ala137Val). This variant is present in population databases (rs138964034, gnomAD 0.005%). This variant has not been reported in the literature in individuals affected with LAMA2-related conditions. ClinVar contains an entry for this variant (Variation ID: 583039). Invitae Evidence Modeling of protein sequence and biophysical properties (such as structural, functional, and spatial information, amino acid conservation, physicochemical variation, residue mobility, and thermodynamic stability) indicates that this missense variant is not expected to disrupt LAMA2 protein function with a negative predictive value of 95%. In summary, the available evidence is currently insufficient to determine the role of this variant in disease. Therefore, it has been classified as a Variant of Uncertain Significance.

GeneDx
Classification: Uncertain significance. Last evaluated: 2024-12-02. Review status: criteria provided, single submitter. Criteria: GeneDx Variant Classification Process June 2021. Collection method: clinical testing. Allele origin: germline. Affected: yes.
Comment: Not observed at significant frequency in large population cohorts (gnomAD); In silico analysis supports that this missense variant has a deleterious effect on protein structure/function; Has not been previously published as pathogenic or benign to our knowledge

Revvity Omics, Revvity
Classification: Uncertain significance. Last evaluated: 2019-06-13. Review status: criteria provided, single submitter. Criteria: ACMG Guidelines, 2015. Collection method: clinical testing. Allele origin: germline.